The following is an entry in ClinVar:

ClinVar aggregate classification (germline): Uncertain significance (1 of 4 stars; one submission).

Submission:

Laboratory for Molecular Medicine, Mass General Brigham Personalized Medicine
Classification: Uncertain significance. Last evaluated: 2017-01-12. Review status: criteria provided, single submitter. Criteria: LMM Criteria. Collection method: clinical testing. Allele origin: germline. Observed: 3 variant alleles.
Comment: The duplication of exons 23-25 in STRC has been reported by our laboratory in 2 individuals with hearing loss. However, several overlapping duplications have be en reported in individuals with hearing loss by our laboratory as well as in the general population in the Database of Genomic Variants (es v3636292, nsv1160290, nsv442372, nsv974568). Due to limitations of the testing m ethodology and due to high homology with a pseudogene, the exact breakpoints and genomic location of this duplication could not be determined. Therefore, it is not clear whether this variant disrupts the function of STRC gene or whether it could represent a whole gene duplication of STRC, which would be classified as l ikely benign. In summary, the clinical significance of this variant is uncertain .

NM_153700.2(STRC):c.(?_4443)_(4845_?)-68dup

Gene: STRC (stereocilin; minus strand). Cytogenetic location: 15q15.3.
Variant type: Duplication.
Identifiers: ClinVar variation 517231 (VCV000517231.4).